The following is an entry in ClinVar:

NM_000088.4(COL1A1):c.543+10C>T

Gene: COL1A1 (collagen type I alpha 1 chain; minus strand). Cytogenetic location: 17q21.33.
Variant type: single nucleotide variant.
Coding change: c.543+10C>T on transcript NM_000088.4 (MANE Select); 10 bases into the intron after coding-DNA position 543, C replaced by T.
Molecular consequence: intron variant.
Genome position (GRCh38, 1-based): chr17:50,198,423, G>A on the plus strand (C>T on the coding strand, the complement: COL1A1 is on the minus strand). VCF-style: chr17-50198423-G-A. GRCh37 (hg19) VCF-style: chr17-48275784-G-A.
Identifiers: ClinVar variation 582809 (VCV000582809.15), dbSNP rs376260945, ClinGen allele CA8645679.
Genomic context (GRCh38, chr17:50,198,423, plus strand): 5'-GCCGCCTATGCCCACCTCCTCTGGATACCCATTCTCTCTTCTGTCATCCATGCTCCCCCT[G>A]CTGGCTCACCATGGGGCCAGGCACGGAAATTCCTCCGGTTGATTTCTCATCATAGCCATA-3'

ClinVar aggregate classification (germline): Benign/Likely benign. Review status: criteria provided, multiple submitters, no conflicts (2 of 4 stars). 3 submissions from 3 submitters: Benign (1); Likely benign (1). 1 of the submissions does not count toward it. Last evaluated 2026-01-23.

Conditions:
COL1A1-related disorder. Also called: COL1A1- related disease; COL1A1-related condition.
Osteogenesis imperfecta type I (OI1). Also called: OI, TYPE I; OSTEOGENESIS IMPERFECTA TARDA; OSTEOGENESIS IMPERFECTA WITH BLUE SCLERAE; Classic Non-deforming Osteogenesis Imperfecta with Blue Sclerae; Osteogenesis imperfecta type 1; Lobstein's Disease. Identifiers: Orphanet 216796, Orphanet 666, MedGen C0023931, MONDO:0008146, OMIM 166200. Disease mechanism: loss of function.

Allele frequency attached by ClinVar (database versions not stated): ExAC 0.00005; TOPMed 0.00005; gnomAD 0.00006 and 0.00007; gnomAD exomes 0.00006 and 0.00017; ESP Exome Variant Server 0.00015.

Submissions (3):

Labcorp Genetics (formerly Invitae), Labcorp
Classification: Likely benign for Osteogenesis imperfecta type I. Last evaluated: 2026-01-23. Review status: criteria provided, single submitter. Criteria: Invitae Variant Classification Sherloc (09022015). Collection method: clinical testing. Allele origin: germline.

Women's Health and Genetics/Laboratory Corporation of America, LabCorp
Classification: Benign. Last evaluated: 2025-04-28. Review status: criteria provided, single submitter. Criteria: LabCorp Variant Classification Summary - May 2015. Collection method: clinical testing. Allele origin: germline.

PreventionGenetics, part of Exact Sciences
Classification: Likely benign for COL1A1-related condition. Last evaluated: 2019-05-23. Review status: no assertion criteria provided. Collection method: clinical testing. Allele origin: germline. Not counted in ClinVar's aggregate classification.
Comment: This variant is classified as likely benign based on ACMG/AMP sequence variant interpretation guidelines (Richards et al. 2015 PMID: 25741868, with internal and published modifications).